The following is an entry in ClinVar:

ClinVar aggregate classification (germline): Uncertain significance. Review status: criteria provided, multiple submitters, no conflicts (2 of 4 stars). 2 submissions from 2 submitters: Uncertain significance (2). Last evaluated 2025-08-18.

Conditions:
Hereditary cancer-predisposing syndrome. Also called: Hereditary Cancer Syndrome; Tumor predisposition; Neoplastic Syndromes, Hereditary; Hereditary neoplastic syndrome. Identifiers: Orphanet 140162, MedGen C0027672, MeSH D009386, MONDO:0015356.
Neuroblastoma, susceptibility to, 3. Also called: ALK-Related Neuroblastic Tumor Susceptibility. Identifiers: Orphanet 635, MedGen C2751681, MONDO:0013083, OMIM 613014.

Allele frequency attached by ClinVar (database versions not stated): gnomAD exomes below 0.00001.
gnomAD v4.1: 2 of 1,614,214 alleles (0.00012%); highest among the groups gnomAD compares: Middle Eastern, 0.033%; no homozygotes.

Submissions (2):

Labcorp Genetics (formerly Invitae), Labcorp
Classification: Uncertain significance for Neuroblastoma, susceptibility to, 3. Last evaluated: 2025-08-18. Review status: criteria provided, single submitter. Criteria: Invitae Variant Classification Sherloc (09022015). Collection method: clinical testing. Allele origin: germline.
Comment: This sequence change replaces phenylalanine, which is neutral and non-polar, with valine, which is neutral and non-polar, at codon 1007 of the ALK protein (p.Phe1007Val). This variant is not present in population databases (gnomAD no frequency). This variant has not been reported in the literature in individuals affected with ALK-related conditions. ClinVar contains an entry for this variant (Variation ID: 647054). An algorithm developed to predict the effect of missense changes on protein structure and function (PolyPhen-2) suggests that this variant is likely to be tolerated. In summary, the available evidence is currently insufficient to determine the role of this variant in disease. Therefore, it has been classified as a Variant of Uncertain Significance.

Ambry Genetics
Classification: Uncertain significance for Hereditary cancer-predisposing syndrome. Last evaluated: 2023-02-15. Review status: criteria provided, single submitter. Criteria: Ambry Variant Classification Scheme 2023. Collection method: clinical testing. Allele origin: germline.
Comment: The p.F1007V variant (also known as c.3019T>G), located in coding exon 18 of the ALK gene, results from a T to G substitution at nucleotide position 3019. The phenylalanine at codon 1007 is replaced by valine, an amino acid with highly similar properties. This amino acid position is conserved. In addition, the in silico prediction for this alteration is inconclusive. Since supporting evidence is limited at this time, the clinical significance of this alteration remains unclear.

NM_004304.5(ALK):c.3019T>G (p.Phe1007Val)

Gene: ALK (ALK receptor tyrosine kinase; minus strand). Cytogenetic location: 2p23.2.
Variant type: single nucleotide variant.
Coding change: c.3019T>G on transcript NM_004304.5 (MANE Select); coding-DNA position 3019, T replaced by G.
Protein change: p.Phe1007Val; replaces phenylalanine 1007 with valine.
Molecular consequence: missense variant.
Genome position (GRCh38, 1-based): chr2:29,226,970, A>C on the plus strand (T>G on the coding strand, the complement: ALK is on the minus strand). VCF-style: chr2-29226970-A-C. GRCh37 (hg19) VCF-style: chr2-29449836-A-C.
Other names: short protein forms F1007V.
Identifiers: ClinVar variation 647054 (VCV000647054.8), dbSNP rs1573131702, ClinGen allele CA346467627.